The following is an entry in ClinVar:

NM_006185.4(NUMA1):c.5317C>T (p.Leu1773Phe)

Genes: IL18BP (interleukin 18 binding protein; plus strand), NUMA1 (nuclear mitotic apparatus protein 1; minus strand). Cytogenetic location: 11q13.4.
Variant type: single nucleotide variant.
Coding change: c.5317C>T on transcript NM_006185.4 (MANE Select); coding-DNA position 5317, C replaced by T.
Protein change: p.Leu1773Phe; replaces leucine 1773 with phenylalanine.
Molecular consequence: missense variant. On other transcripts: non-coding transcript variant (1).
Genome position (GRCh38, 1-based): chr11:72,007,335, G>A on the plus strand (C>T on the coding strand, the complement: NUMA1 is on the minus strand). VCF-style: chr11-72007335-G-A. GRCh37 (hg19) VCF-style: chr11-71718381-G-A.
Other names: c.5275C>T, p.Leu1759Phe (NM_001286561.2); short protein forms L1759F, L1773F.
Identifiers: ClinVar variation 3408535 (VCV003408535.6).
Genomic context (GRCh38, chr11:72,007,335, plus strand): 5'-GGGAGTCCAGGCTGCTCTCCAGGGGGGCCTGACTCCGAGCAGGGATGGGAGTGAAGTAGA[G>A]ACTCTCCAGGGATTCTACCTTGGGGGGCAGGCGCTGGGAGATAGGTGAGGCTGGTTCTCC-3'
Protein context (NP_006176.2, residues 1763-1783): LPPKVESLES[Leu1773Phe]YFTPIPARSQ

ClinVar aggregate classification (germline): Conflicting classifications of pathogenicity. Review status: criteria provided, conflicting classifications (1 of 4 stars). 2 submissions from 2 submitters: Uncertain significance (1); Likely benign (1). Last evaluated 2025-12-01.

gnomAD v4.1: 69 of 1,613,632 alleles (0.0043%); highest among the groups gnomAD compares: Admixed American, 0.1%; no homozygotes.

Submissions (2):

CeGaT Center for Human Genetics Tuebingen
Classification: Likely benign. Last evaluated: 2025-12-01. Review status: criteria provided, single submitter. Criteria: CeGaT Center For Human Genetics Tuebingen Variant Classification Criteria Version 2. Collection method: clinical testing. Allele origin: germline. Affected: yes. Observed: 1 variant allele.
Comment: NUMA1: BS1

Ambry Genetics
Classification: Uncertain significance. Last evaluated: 2024-10-25. Review status: criteria provided, single submitter. Criteria: Ambry Variant Classification Scheme 2023. Collection method: clinical testing. Allele origin: germline.